The following is an entry in ClinVar:

NM_001330700.2(TOP2B):c.2525T>C (p.Val842Ala)

Gene: TOP2B (DNA topoisomerase II beta; minus strand). Cytogenetic location: 3p24.2.
Variant type: single nucleotide variant.
Coding change: c.2525T>C on transcript NM_001330700.2 (MANE Select); coding-DNA position 2525, T replaced by C.
Protein change: p.Val842Ala; replaces valine 842 with alanine.
Molecular consequence: missense variant.
Genome position (GRCh38, 1-based): chr3:25,623,717, A>G on the plus strand (T>C on the coding strand, the complement: TOP2B is on the minus strand). VCF-style: chr3-25623717-A-G. GRCh37 (hg19) VCF-style: chr3-25665208-A-G.
Other names: c.2510T>C, p.Val837Ala (NM_001068.3); short protein forms V837A, V842A.
Identifiers: ClinVar variation 2170829 (VCV002170829.4), dbSNP rs1366192670, ClinGen allele CA351902431.
Genomic context (GRCh38, chr3:25,623,717, plus strand): 5'-TACCACTCAGGCTCTACACGTTGATTATCATCATAAAGGAACTTAAGGAGGTTGTCATCC[A>G]CAGCAGGAAAAAGTAGCCTTGCTAAAGTGCTAATGAAAACAAAAAGAAGCAAATGAAAAA-3'
Protein context (NP_001317629.1, residues 832-852): STLARLLFPA[Val842Ala]DDNLLKFLYD

ClinVar aggregate classification (germline): Uncertain significance (1 of 4 stars; one submission).

Allele frequency attached by ClinVar (database versions not stated): gnomAD exomes 0.00001; TOPMed 0.00002; gnomAD 0.00003.
gnomAD v4.1: 12 of 1,613,452 alleles (0.00074%); highest among the groups gnomAD compares: African/African-American, 0.0013%; no homozygotes.

Submission:

Labcorp Genetics (formerly Invitae), Labcorp
Classification: Uncertain significance. Last evaluated: 2025-03-20. Review status: criteria provided, single submitter. Criteria: Invitae Variant Classification Sherloc (09022015). Collection method: clinical testing. Allele origin: germline.
Comment: This sequence change replaces valine, which is neutral and non-polar, with alanine, which is neutral and non-polar, at codon 837 of the TOP2B protein (p.Val837Ala). This variant is present in population databases (no rsID available, gnomAD 0.01%). This variant has not been reported in the literature in individuals affected with TOP2B-related conditions. ClinVar contains an entry for this variant (Variation ID: 2170829). An algorithm developed to predict the effect of missense changes on protein structure and function (PolyPhen-2) suggests that this variant is likely to be tolerated. In summary, the available evidence is currently insufficient to determine the role of this variant in disease. Therefore, it has been classified as a Variant of Uncertain Significance.